The following is an entry in ClinVar:

NM_003070.5(SMARCA2):c.3438C>T (p.Ser1146=)

Gene: SMARCA2 (SWI/SNF related BAF chromatin remodeling complex subunit ATPase 2; plus strand). Cytogenetic location: 9p24.3.
Variant type: single nucleotide variant.
Coding change: c.3438C>T on transcript NM_003070.5 (MANE Select); coding-DNA position 3438, C replaced by T.
Protein change: p.Ser1146=; no amino-acid change (serine 1146 retained).
Molecular consequence: synonymous variant.
Genome position (GRCh38, 1-based): chr9:2,110,399, C>T. VCF-style: chr9-2110399-C-T. GRCh37 (hg19) VCF-style: chr9-2110399-C-T.
Other names: c.3438C>T, p.Ser1146= (NM_001289396.2, NM_139045.4); c.3264C>T, p.Ser1088= (NM_001289397.2).
Identifiers: ClinVar variation 366220 (VCV000366220.44), dbSNP rs62534896, ClinGen allele CA4963759.

ClinVar aggregate classification (germline): Benign/Likely benign. Review status: criteria provided, multiple submitters, no conflicts (2 of 4 stars). 7 submissions from 7 submitters: Benign (3); Likely benign (4). Last evaluated 2026-06-01.

Conditions:
Inborn genetic diseases. Identifiers: MedGen C0950123, MeSH D030342.
Nicolaides-Baraitser syndrome (NCBRS). Also called: Intellectual disability-sparse hair-brachydactyly syndrome; SMARCA2-Related Nicolaides-Baraitser Syndrome. Identifiers: Orphanet 3051, MedGen C1303073, MONDO:0011053, OMIM 601358.

Allele frequency attached by ClinVar (database versions not stated): 1000 Genomes Project 0.00060; 1000 Genomes Project 30x 0.00062; gnomAD exomes 0.00076 and 0.00121; ESP Exome Variant Server 0.00085; gnomAD 0.00086 and 0.00088; TOPMed 0.00087; ExAC 0.00106.
gnomAD v4.1: 1,296 of 1,609,926 alleles (0.081%); highest among the groups gnomAD compares: Middle Eastern, 0.15%; 4 homozygotes.

Submissions (7):

CeGaT Center for Human Genetics Tuebingen
Classification: Likely benign. Last evaluated: 2026-06-01. Review status: criteria provided, single submitter. Criteria: CeGaT Center For Human Genetics Tuebingen Variant Classification Criteria Version 2. Collection method: clinical testing. Allele origin: germline. Affected: yes. Observed: 4 variant alleles.
Comment: SMARCA2: BP4, BP7, BS1

Labcorp Genetics (formerly Invitae), Labcorp
Classification: Benign. Last evaluated: 2025-12-30. Review status: criteria provided, single submitter. Criteria: Invitae Variant Classification Sherloc (09022015). Collection method: clinical testing. Allele origin: germline.

Blueprint Genetics
Classification: Likely benign. Last evaluated: 2024-10-23. Review status: criteria provided, single submitter. Criteria: ACMG Guidelines, 2015. Collection method: clinical testing. Allele origin: germline.

GeneDx
Classification: Benign. Last evaluated: 2019-01-18. Review status: criteria provided, single submitter. Criteria: GeneDx Variant Classification Process June 2021. Collection method: clinical testing. Allele origin: germline. Affected: yes.

Illumina Laboratory Services, Illumina
Classification: Benign for Nicolaides-Baraitser syndrome. Last evaluated: 2018-01-13. Review status: criteria provided, single submitter. Criteria: ICSL Variant Classification Criteria 13 December 2019. Collection method: clinical testing. Allele origin: germline.
Comment: This variant was observed in the ICSL laboratory as part of a predisposition screen in an ostensibly healthy population. It had not been previously curated by ICSL or reported in the Human Gene Mutation Database (HGMD: prior to June 1st, 2018), and was therefore a candidate for classification through an automated scoring system. Utilizing variant allele frequency, disease prevalence and penetrance estimates, and inheritance mode, an automated score was calculated to assess if this variant is too frequent to cause the disease. Based on the score and internal cut-off values, a variant classified as benign is not then subjected to further curation. The score for this variant resulted in a classification of benign for this disease.

Ambry Genetics
Classification: Likely benign for Inborn genetic diseases. Last evaluated: 2016-05-06. Review status: criteria provided, single submitter. Criteria: Ambry Variant Classification Scheme 2023. Collection method: clinical testing. Allele origin: germline.

Breakthrough Genomics
Classification: Likely benign. Review status: criteria provided, single submitter. Criteria: ACMG Guidelines, 2015. Collection method: not provided. Allele origin: germline. Inheritance: Autosomal dominant inheritance. Affected: yes.